The following is an entry in ClinVar:

ClinVar aggregate classification (germline): Uncertain significance. Review status: criteria provided, multiple submitters, no conflicts (2 of 4 stars). 3 submissions from 3 submitters: Uncertain significance (3). Last evaluated 2024-03-13.

Conditions:
von Willebrand disease type 2 (VWD2). Also called: VWD, TYPE 2; VON WILLEBRAND DISEASE, TYPE 2A/IIE; VON WILLEBRAND DISEASE, TYPE 2CB; VON WILLEBRAND DISEASE, TYPE II. Identifiers: Orphanet 166081, Orphanet 903, MedGen C1264040, MONDO:0013304, OMIM 613554.
von Willebrand disease type 1 (VWD1). Also called: VWD, TYPE 1; VON WILLEBRAND DISEASE, TYPE I. Identifiers: Orphanet 166078, Orphanet 903, MedGen C1264039, MONDO:0008668, OMIM 193400. Inheritance: autosomal recessive or autosomal dominant.
von Willebrand disease type 3 (VWD3). Also called: Type 3 Von Willebrand's disease; Type 3 VWD; Von Willebrand disease, severe form; V WD3; VON WILLEBRAND DISEASE, TYPE III. Identifiers: Orphanet 166096, MedGen C1264041, MONDO:0010191, OMIM 277480.

Allele frequency attached by ClinVar (database versions not stated): gnomAD exomes 0.00004 and 0.00026; gnomAD 0.00007 and 0.00010; TOPMed 0.00007; ExAC 0.00019; 1000 Genomes Project 0.00080; 1000 Genomes Project 30x 0.00094.
gnomAD v4.1: 78 of 1,613,916 alleles (0.0048%); highest among the groups gnomAD compares: East Asian, 0.14%; no homozygotes.

Submissions (3):

Women's Health and Genetics/Laboratory Corporation of America, LabCorp
Classification: Uncertain significance. Last evaluated: 2024-03-13. Review status: criteria provided, single submitter. Criteria: LabCorp Variant Classification Summary - May 2015. Collection method: clinical testing. Allele origin: germline.
Comment: Variant summary: VWF c.4499C>T (p.Ala1500Val) results in a non-conservative amino acid change located in the von Willebrand factor, type A domain (IPR002035) of the encoded protein sequence. Four of five in-silico tools predict a benign effect of the variant on protein function. The variant allele was found at a frequency of 0.00026 in 250966 control chromosomes. c.4499C>T has been reported in the literature in individuals affected with Von Willebrand Disease without strong evidence for causality (examples: Shen_2016, Veyradier_2016). These report(s) do not provide unequivocal conclusions about association of the variant with Von Willebrand Disease. To our knowledge, no experimental evidence demonstrating an impact on protein function has been reported. The following publications have been ascertained in the context of this evaluation (PMID: 27766062, 26986123). ClinVar contains an entry for this variant (Variation ID: 439339). Based on the evidence outlined above, the variant was classified as uncertain significance.

Department of Pathology and Laboratory Medicine, Sinai Health System
Classification: Uncertain significance for von Willebrand disease type 1; von Willebrand disease type 3; von Willebrand disease type 2. Last evaluated: 2023-12-12. Review status: criteria provided, single submitter. Criteria: ACMG Guidelines, 2015. Collection method: research. Allele origin: germline.

Quest Diagnostics Nichols Institute San Juan Capistrano
Classification: Uncertain significance. Last evaluated: 2023-05-03. Review status: criteria provided, single submitter. Criteria: Quest Diagnostics criteria. Collection method: clinical testing. Allele origin: unknown.
Comment: The frequency of this variant in the general population, 0.0035 (70/19938 chromosomes), is uninformative in assessment of its pathogenicity. In the published literature, the variant has been reported in affected individuals with Type 1 and Type 2 VWD (PMIDs: 26986123 (2016) and 27766062 (2016)). Analysis of this variant using bioinformatics tools for the prediction of the effect of amino acid changes on protein structure and function yielded conflicting predictions that this variant is deleterious or benign. Based on the available information, we are unable to determine the clinical significance of this variant.

Literature cited by the submitters: PubMed 26986123 (cited by Women's Health and Genetics/Laboratory Corporation of America, LabCorp and Quest Diagnostics Nichols Institute San Juan Capistrano); PubMed 27766062 (cited by Women's Health and Genetics/Laboratory Corporation of America, LabCorp and Quest Diagnostics Nichols Institute San Juan Capistrano); PubMed 11197223 (cited by Quest Diagnostics Nichols Institute San Juan Capistrano).

NM_000552.5(VWF):c.4499C>T (p.Ala1500Val)

Gene: VWF (von Willebrand factor; minus strand). Cytogenetic location: 12p13.31.
Variant type: single nucleotide variant.
Coding change: c.4499C>T on transcript NM_000552.5 (MANE Select); coding-DNA position 4499, C replaced by T.
Protein change: p.Ala1500Val; replaces alanine 1500 with valine.
Molecular consequence: missense variant.
Genome position (GRCh38, 1-based): chr12:6,018,919, G>A on the plus strand (C>T on the coding strand, the complement: VWF is on the minus strand). VCF-style: chr12-6018919-G-A. GRCh37 (hg19) VCF-style: chr12-6128085-G-A.
Other names: c.4499C>T (NM_000552.4); short protein forms A1500V.
Identifiers: ClinVar variation 439339 (VCV000439339.4), dbSNP rs61750096, ClinGen allele CA6402520.